The following is an entry in ClinVar:

NM_194318.4(B3GLCT):c.1053T>C (p.Asp351=)

Gene: B3GLCT (beta 3-glucosyltransferase; plus strand). Cytogenetic location: 13q12.3.
Variant type: single nucleotide variant.
Coding change: c.1053T>C on transcript NM_194318.4 (MANE Select); coding-DNA position 1053, T replaced by C.
Protein change: p.Asp351=; no amino-acid change (aspartic acid 351 retained).
Molecular consequence: synonymous variant.
Genome position (GRCh38, 1-based): chr13:31,286,808, T>C. VCF-style: chr13-31286808-T-C. GRCh37 (hg19) VCF-style: chr13-31860945-T-C.
Identifiers: ClinVar variation 3054818 (VCV003054818.2), dbSNP rs375715740, ClinGen allele CA6936791.

ClinVar aggregate classification (germline): Likely benign (0 of 4 stars; one submission).

Conditions:
B3GLCT-related disorder. Also called: B3GLCT-related condition.

Allele frequency attached by ClinVar (database versions not stated): gnomAD exomes below 0.00001; ExAC 0.00001; gnomAD 0.00001; TOPMed 0.00003; ESP Exome Variant Server 0.00015.

Submission:

PreventionGenetics, part of Exact Sciences
Classification: Likely benign for B3GLCT-related condition. Last evaluated: 2020-04-20. Review status: no assertion criteria provided. Collection method: clinical testing. Allele origin: germline.
Comment: This variant is classified as likely benign based on ACMG/AMP sequence variant interpretation guidelines (Richards et al. 2015 PMID: 25741868, with internal and published modifications).